The following is an entry in ClinVar:

NM_001039570.3(KREMEN1):c.357del (p.Gly120fs)

Gene: KREMEN1 (kringle containing transmembrane protein 1; plus strand). Cytogenetic location: 22q12.1.
Variant type: Deletion.
Coding change: c.357del on transcript NM_001039570.3 (MANE Select); coding-DNA position 357, one base deleted (T; older notation c.357delT).
Protein change: p.Gly120fs; shifts the reading frame from glycine 120.
Molecular consequence: frameshift variant.
Genome position (GRCh38, 1-based): chr22:29,121,361, T deleted. VCF-style (leftmost placement, unchanged base first): chr22-29121360-CT-C. GRCh37 (hg19) VCF-style: chr22-29517348-CT-C.
Other names: c.357delT, p.Gly120Glufs (NM_001039571.1); c.357del, p.Gly120fs (NM_032045.5); short protein forms G120fs.
Identifiers: ClinVar variation 2310909 (VCV002310909.2), dbSNP rs2517684309, ClinGen allele CA2580099387.

ClinVar aggregate classification (germline): Pathogenic (1 of 4 stars; one submission).

Conditions:
Inborn genetic diseases. Identifiers: MedGen C0950123, MeSH D030342.

Submission:

Ambry Genetics
Classification: Pathogenic for Inborn genetic diseases. Last evaluated: 2022-10-27. Review status: criteria provided, single submitter. Criteria: Ambry Variant Classification Scheme 2023. Collection method: clinical testing. Allele origin: germline.
Comment: The c.357delT (p.G120Efs*15) alteration, located in exon 4 (coding exon 4) of the KREMEN1 gene, consists of a deletion of one nucleotide at position 357, causing a translational frameshift with a predicted alternate stop codon after 15 amino acids. This alteration is expected to result in loss of function by premature protein truncation or nonsense-mediated mRNA decay. This variant was not reported in population-based cohorts in the Genome Aggregation Database (gnomAD). Based on the available evidence, this alteration is classified as pathogenic.